The following is an entry in ClinVar:

NM_001113491.2(SEPTIN9):c.1211C>T (p.Pro404Leu)

Gene: SEPTIN9 (septin 9; plus strand). Cytogenetic location: 17q25.3.
Variant type: single nucleotide variant.
Coding change: c.1211C>T on transcript NM_001113491.2 (MANE Select); coding-DNA position 1211, C replaced by T.
Protein change: p.Pro404Leu; replaces proline 404 with leucine.
Molecular consequence: missense variant.
Genome position (GRCh38, 1-based): chr17:77,488,813, C>T. VCF-style: chr17-77488813-C-T. GRCh37 (hg19) VCF-style: chr17-75484895-C-T.
Other names: c.719C>T, p.Pro240Leu (NM_001113492.2, NM_001113494.1); c.1190C>T, p.Pro397Leu (NM_001113493.2); c.458C>T, p.Pro153Leu (NM_001113495.2, NM_001113496.2, NM_001293697.2 and 1 more transcripts); c.1154C>T, p.Pro385Leu (NM_001293695.2); c.539C>T, p.Pro180Leu (NM_001293696.2); c.1157C>T, p.Pro386Leu (NM_006640.5); short protein forms P153L, P180L, P240L, P385L, P386L, P397L, P404L.
Identifiers: ClinVar variation 1682650 (VCV001682650.8), dbSNP rs777636409, ClinGen allele CA8793713.
Genomic context (GRCh38, chr17:77,488,813, plus strand): 5'-ATGACCAGTACGAGAAATACCTGCAGGAGGAGGTCAACATCAACCGCAAGAAGCGCATCC[C>T]GGACACCCGCGTCCACTGCTGCCTCTACTTCATCCCCGCCACCGGCCACTCGTACGTCCC-3'
Protein context (NP_001106963.1, residues 394-414): EVNINRKKRI[Pro404Leu]DTRVHCCLYF

ClinVar aggregate classification (germline): Uncertain significance. Review status: criteria provided, multiple submitters, no conflicts (2 of 4 stars). 2 submissions from 2 submitters: Uncertain significance (2). Last evaluated 2026-02-03.

Allele frequency attached by ClinVar (database versions not stated): ExAC 0.00002; gnomAD 0.00002; gnomAD exomes 0.00002 and 0.00004; TOPMed 0.00002.
gnomAD v4.1: 31 of 1,613,664 alleles (0.0019%); highest among the groups gnomAD compares: South Asian, 0.0099%; no homozygotes.

Submissions (2):

Women's Health and Genetics/Laboratory Corporation of America, LabCorp
Classification: Uncertain significance. Last evaluated: 2026-02-03. Review status: criteria provided, single submitter. Criteria: LabCorp Variant Classification Summary - May 2015. Collection method: clinical testing. Allele origin: germline.
Comment: Variant summary: SEPTIN9 c.1157C>T (p.Pro386Leu) results in a non-conservative amino acid change in the encoded protein sequence. Algorithms developed to predict the effect of missense changes on protein structure and function are either unavailable or do not agree on the potential impact of this missense change. The variant allele was found at a frequency of 3.6e-05 in 250216 control chromosomes. The available data on variant occurrences in the general population are insufficient to allow any conclusion about variant significance. To our knowledge, no occurrence of c.1157C>T in individuals affected with SEPTIN9-related conditions and no experimental evidence demonstrating its impact on protein function have been reported. ClinVar contains an entry for this variant (Variation ID: 1682650). Based on the evidence outlined above, the variant was classified as uncertain significance.

Labcorp Genetics (formerly Invitae), Labcorp
Classification: Uncertain significance. Last evaluated: 2024-03-19. Review status: criteria provided, single submitter. Criteria: Invitae Variant Classification Sherloc (09022015). Collection method: clinical testing. Allele origin: germline.
Comment: This sequence change replaces proline, which is neutral and non-polar, with leucine, which is neutral and non-polar, at codon 386 of the SEPT9 protein (p.Pro386Leu). This variant is present in population databases (rs777636409, gnomAD 0.007%). This variant has not been reported in the literature in individuals affected with SEPT9-related conditions. ClinVar contains an entry for this variant (Variation ID: 1682650). Advanced modeling of protein sequence and biophysical properties (such as structural, functional, and spatial information, amino acid conservation, physicochemical variation, residue mobility, and thermodynamic stability) performed at Invitae indicates that this missense variant is not expected to disrupt SEPT9 protein function with a negative predictive value of 80%. In summary, the available evidence is currently insufficient to determine the role of this variant in disease. Therefore, it has been classified as a Variant of Uncertain Significance.